The following is an entry in ClinVar:

ClinVar aggregate classification (germline): Conflicting classifications of pathogenicity. Review status: criteria provided, conflicting classifications (1 of 4 stars). 2 submissions from 2 submitters: Uncertain significance (1); Likely benign (1). Last evaluated 2025-03-03.

Conditions:
EYS-related disorder. Also called: EYS-related condition.

Allele frequency attached by ClinVar (database versions not stated): gnomAD 0.00001; TOPMed 0.00003.

Submissions (2):

PreventionGenetics, part of Exact Sciences
Classification: Likely benign for EYS-related condition. Last evaluated: 2025-03-03. Review status: criteria provided, single submitter. Criteria: ACMG Guidelines, 2015. Collection method: clinical testing. Allele origin: germline.
Comment: This variant is classified as likely benign based on ACMG/AMP sequence variant interpretation guidelines (Richards et al. 2015 PMID: 25741868, with internal and published modifications).

Labcorp Genetics (formerly Invitae), Labcorp
Classification: Uncertain significance. Last evaluated: 2022-07-06. Review status: criteria provided, single submitter. Criteria: Invitae Variant Classification Sherloc (09022015). Collection method: clinical testing. Allele origin: germline.
Comment: This variant occurs in a non-coding region of the EYS gene. It does not change the encoded amino acid sequence of the EYS protein. This variant is present in population databases (no rsID available, gnomAD 0.007%). This variant has not been reported in the literature in individuals affected with EYS-related conditions. Experimental studies and prediction algorithms are not available or were not evaluated, and the functional significance of this variant is currently unknown. In summary, the available evidence is currently insufficient to determine the role of this variant in disease. Therefore, it has been classified as a Variant of Uncertain Significance.

NM_001142800.2(EYS):c.-460G>T

Gene: EYS (EGF-like photoreceptor maintenance factor; minus strand). Cytogenetic location: 6q12.
Variant type: single nucleotide variant.
Coding change: c.-460G>T on transcript NM_001142800.2 (MANE Select); 460 bases upstream of the start codon, G replaced by T.
Molecular consequence: 5 prime UTR variant.
Genome position (GRCh38, 1-based): chr6:65,707,147, C>A on the plus strand (G>T on the coding strand, the complement: EYS is on the minus strand). VCF-style: chr6-65707147-C-A. GRCh37 (hg19) VCF-style: chr6-66417040-C-A.
Other names: c.-460G>T (NM_001142801.2, NM_001292009.2, NM_001142800.1).
Identifiers: ClinVar variation 2147927 (VCV002147927.2), dbSNP rs979931969, ClinGen allele CA140459988.